The following is an entry in ClinVar:

NM_003638.3(ITGA8):c.1877A>G (p.Tyr626Cys)

Gene: ITGA8 (integrin subunit alpha 8; minus strand). Cytogenetic location: 10p13.
Variant type: single nucleotide variant.
Coding change: c.1877A>G on transcript NM_003638.3 (MANE Select); coding-DNA position 1877, A replaced by G.
Protein change: p.Tyr626Cys; replaces tyrosine 626 with cysteine.
Molecular consequence: missense variant.
Genome position (GRCh38, 1-based): chr10:15,606,310, T>C on the plus strand (A>G on the coding strand, the complement: ITGA8 is on the minus strand). VCF-style: chr10-15606310-T-C. GRCh37 (hg19) VCF-style: chr10-15648309-T-C.
Other names: c.1832A>G, p.Tyr611Cys (NM_001291494.2); short protein forms Y611C, Y626C.
Identifiers: ClinVar variation 2061301 (VCV002061301.1), dbSNP rs779136750, ClinGen allele CA5420050.

ClinVar aggregate classification (germline): Uncertain significance (1 of 4 stars; one submission).

Allele frequency attached by ClinVar (database versions not stated): gnomAD 0.00007; ExAC 0.00011; gnomAD exomes 0.00011; TOPMed 0.00014.
gnomAD v4.1: 168 of 1,611,544 alleles (0.01%); highest among the groups gnomAD compares: Admixed American, 0.04%; no homozygotes.

Submission:

Labcorp Genetics (formerly Invitae), Labcorp
Classification: Uncertain significance. Last evaluated: 2022-08-15. Review status: criteria provided, single submitter. Criteria: Invitae Variant Classification Sherloc (09022015). Collection method: clinical testing. Allele origin: germline.
Comment: This sequence change replaces tyrosine, which is neutral and polar, with cysteine, which is neutral and slightly polar, at codon 626 of the ITGA8 protein (p.Tyr626Cys). This variant is present in population databases (rs779136750, gnomAD 0.03%). This variant has not been reported in the literature in individuals affected with ITGA8-related conditions. Algorithms developed to predict the effect of missense changes on protein structure and function are either unavailable or do not agree on the potential impact of this missense change (SIFT: "Deleterious"; PolyPhen-2: "Probably Damaging"; Align-GVGD: "Class C0"). In summary, the available evidence is currently insufficient to determine the role of this variant in disease. Therefore, it has been classified as a Variant of Uncertain Significance.